The following is an entry in ClinVar:

ClinVar aggregate classification (germline): Likely benign. Review status: criteria provided, multiple submitters, no conflicts (2 of 4 stars). 2 submissions from 2 submitters: Likely benign (2). Last evaluated 2023-04-04.

Allele frequency attached by ClinVar (database versions not stated): TOPMed 0.00002; ExAC 0.00003.
gnomAD v4.1: 18 of 1,614,238 alleles (0.0011%); highest among the groups gnomAD compares: South Asian, 0.0066%; no homozygotes.

Submissions (2):

Blueprint Genetics
Classification: Likely benign. Last evaluated: 2023-04-04. Review status: criteria provided, single submitter. Criteria: ACMG Guidelines, 2015. Collection method: clinical testing. Allele origin: germline.

CeGaT Center for Human Genetics Tuebingen
Classification: Likely benign. Last evaluated: 2022-11-01. Review status: criteria provided, single submitter. Criteria: CeGaT Center For Human Genetics Tuebingen Variant Classification Criteria Version 2. Collection method: clinical testing. Allele origin: germline. Affected: yes. Observed: 1 variant allele.
Comment: KMT2C: BP4, BP7

NM_170606.3(KMT2C):c.13614C>T (p.Ile4538=)

Gene: KMT2C (lysine methyltransferase 2C; minus strand). Cytogenetic location: 7q36.1.
Variant type: single nucleotide variant.
Coding change: c.13614C>T on transcript NM_170606.3 (MANE Select); coding-DNA position 13614, C replaced by T.
Protein change: p.Ile4538=; no amino-acid change (isoleucine 4538 retained).
Molecular consequence: synonymous variant.
Genome position (GRCh38, 1-based): chr7:152,148,313, G>A on the plus strand (C>T on the coding strand, the complement: KMT2C is on the minus strand). VCF-style: chr7-152148313-G-A. GRCh37 (hg19) VCF-style: chr7-151845398-G-A.
Identifiers: ClinVar variation 2658193 (VCV002658193.25), dbSNP rs752963593, ClinGen allele CA4578614.